The following is an entry in ClinVar:

NM_001276270.2(MBD4):c.1061A>G (p.Glu354Gly)

Gene: MBD4 (methyl-CpG binding domain 4, DNA glycosylase; minus strand). Cytogenetic location: 3q21.3.
Variant type: single nucleotide variant.
Coding change: c.1061A>G on transcript NM_001276270.2 (MANE Select); coding-DNA position 1061, A replaced by G.
Protein change: p.Glu354Gly; replaces glutamic acid 354 with glycine.
Molecular consequence: missense variant. On other transcripts: intron variant (1).
Genome position (GRCh38, 1-based): chr3:129,436,583, T>C on the plus strand (A>G on the coding strand, the complement: MBD4 is on the minus strand). VCF-style: chr3-129436583-T-C. GRCh37 (hg19) VCF-style: chr3-129155426-T-C.
Other names: c.1061A>G, p.Glu354Gly (NM_001276271.2, NM_001276272.2, NM_003925.3); c.247+1225A>G (NM_001276273.2); short protein forms E354G.
Identifiers: ClinVar variation 4624436 (VCV004624436.1).

ClinVar aggregate classification (germline): Uncertain significance (1 of 4 stars; one submission).

Conditions:
Inborn genetic diseases. Identifiers: MedGen C0950123, MeSH D030342.

gnomAD v4.1: 6 of 1,614,206 alleles (0.00037%); highest among the groups gnomAD compares: Non-Finnish European, 0.00051%; no homozygotes.

Submission:

Ambry Genetics
Classification: Uncertain significance for Inborn genetic diseases. Last evaluated: 2025-12-06. Review status: criteria provided, single submitter. Criteria: Ambry Variant Classification Scheme 2023. Collection method: clinical testing. Allele origin: germline.
Comment: The p.E354G variant (also known as c.1061A>G), located in coding exon 3 of the MBD4 gene, results from an A to G substitution at nucleotide position 1061. The glutamic acid at codon 354 is replaced by glycine, an amino acid with similar properties. This amino acid position is conserved. In addition, the in silico prediction for this alteration is inconclusive. Based on the available evidence, the clinical significance of this variant remains unclear.